The following is an entry in ClinVar:

NM_001148.6(ANK2):c.6595G>C (p.Asp2199His)

Gene: ANK2 (ankyrin 2; plus strand). Cytogenetic location: 4q26.
Variant type: single nucleotide variant.
Coding change: c.6595G>C on transcript NM_001148.6 (MANE Select); coding-DNA position 6595, G replaced by C.
Protein change: p.Asp2199His; replaces aspartic acid 2199 with histidine.
Molecular consequence: missense variant. On other transcripts: intron variant (68).
Genome position (GRCh38, 1-based): chr4:113,355,213, G>C. VCF-style: chr4-113355213-G-C. GRCh37 (hg19) VCF-style: chr4-114276369-G-C.
Other names: c.4165+4964G>C (NM_001354257.2, NM_001386156.1); c.4240+4964G>C (NM_001354249.2, NM_001354266.2, NM_001354276.2 and 2 more transcripts); c.4207+4964G>C (NM_001386146.1, NM_001386150.1, NM_001386149.1 and 1 more transcripts); c.4192+4964G>C (NM_001354274.2, NM_001386154.1); c.4141+4964G>C (NM_001386151.1, NM_001354260.2, NM_001354271.2); c.4042+4964G>C (NM_001386157.1, NM_001354277.2); c.4360+4964G>C (NM_001386161.1, NM_001354244.2, NM_001354256.2); c.4285+4964G>C (NM_001354261.2); and 35 more; short protein forms D2238H, D2199H, D2246H, D2121H, D999H.
Identifiers: ClinVar variation 2885089 (VCV002885089.4), dbSNP rs2095671488, ClinGen allele CA357924566.

ClinVar aggregate classification (germline): Uncertain significance. Review status: criteria provided, multiple submitters, no conflicts (2 of 4 stars). 2 submissions from 2 submitters: Uncertain significance (2). Last evaluated 2026-01-27.

Conditions:
Cardiovascular phenotype. Identifiers: MedGen CN230736.
Long QT syndrome (LQTS). Identifiers: MedGen C0023976, MeSH D008133, MONDO:0002442. Disease mechanism: loss of function. Inheritance: Various modes of inheritance.

gnomAD v4.1: 4 of 1,614,152 alleles (0.00025%); highest among the groups gnomAD compares: Non-Finnish European, 0.00034%; no homozygotes.

Submissions (2):

Labcorp Genetics (formerly Invitae), Labcorp
Classification: Uncertain significance for Long QT syndrome. Last evaluated: 2026-01-27. Review status: criteria provided, single submitter. Criteria: Invitae Variant Classification Sherloc (09022015). Collection method: clinical testing. Allele origin: germline.
Comment: This sequence change replaces aspartic acid, which is acidic and polar, with histidine, which is basic and polar, at codon 2199 of the ANK2 protein (p.Asp2199His). This variant is not present in population databases (gnomAD no frequency). This variant has not been reported in the literature in individuals affected with ANK2-related conditions. ClinVar contains an entry for this variant (Variation ID: 2885089). Invitae Evidence Modeling of protein sequence and biophysical properties (such as structural, functional, and spatial information, amino acid conservation, physicochemical variation, residue mobility, and thermodynamic stability) indicates that this missense variant is not expected to disrupt ANK2 protein function with a negative predictive value of 80%. In summary, the available evidence is currently insufficient to determine the role of this variant in disease. Therefore, it has been classified as a Variant of Uncertain Significance.

Ambry Genetics
Classification: Uncertain significance for Cardiovascular phenotype. Last evaluated: 2024-02-22. Review status: criteria provided, single submitter. Criteria: Ambry Variant Classification Scheme 2023. Collection method: clinical testing. Allele origin: germline.
Comment: The p.D2199H variant (also known as c.6595G>C), located in coding exon 38 of the ANK2 gene, results from a G to C substitution at nucleotide position 6595. The aspartic acid at codon 2199 is replaced by histidine, an amino acid with similar properties. This amino acid position is conserved. In addition, this alteration is predicted to be tolerated by in silico analysis. Based on the available evidence, the clinical significance of this alteration remains unclear.